The following is an entry in ClinVar:

NM_007129.5(ZIC2):c.231C>G (p.Phe77Leu)

Gene: ZIC2 (Zic family zinc finger 2; plus strand). Cytogenetic location: 13q32.3.
Variant type: single nucleotide variant.
Coding change: c.231C>G on transcript NM_007129.5 (MANE Select); coding-DNA position 231, C replaced by G.
Protein change: p.Phe77Leu; replaces phenylalanine 77 with leucine.
Molecular consequence: missense variant.
Genome position (GRCh38, 1-based): chr13:99,982,295, C>G. VCF-style: chr13-99982295-C-G. GRCh37 (hg19) VCF-style: chr13-100634549-C-G.
Other names: short protein forms F77L.
Identifiers: ClinVar variation 2160985 (VCV002160985.4), dbSNP rs2053238290, ClinGen allele CA388636839.

ClinVar aggregate classification (germline): Uncertain significance (1 of 4 stars; one submission).

Conditions:
Holoprosencephaly 5 (HPE5). Identifiers: Orphanet 2162, MedGen C1864827, MONDO:0012322, OMIM 609637.

Allele frequency attached by ClinVar (database versions not stated): gnomAD 0.00001; TOPMed 0.00005.
gnomAD v4.1: 6 of 1,488,238 alleles (0.0004%); highest among the groups gnomAD compares: Admixed American, 0.0045%; no homozygotes.

Submission:

Labcorp Genetics (formerly Invitae), Labcorp
Classification: Uncertain significance for Holoprosencephaly 5. Last evaluated: 2025-05-26. Review status: criteria provided, single submitter. Criteria: Invitae Variant Classification Sherloc (09022015). Collection method: clinical testing. Allele origin: germline.
Comment: This sequence change replaces phenylalanine, which is neutral and non-polar, with leucine, which is neutral and non-polar, at codon 77 of the ZIC2 protein (p.Phe77Leu). This variant is not present in population databases (gnomAD no frequency). This variant has not been reported in the literature in individuals affected with ZIC2-related conditions. ClinVar contains an entry for this variant (Variation ID: 2160985). Invitae Evidence Modeling of protein sequence and biophysical properties (such as structural, functional, and spatial information, amino acid conservation, physicochemical variation, residue mobility, and thermodynamic stability) indicates that this missense variant is not expected to disrupt ZIC2 protein function with a negative predictive value of 80%. In summary, the available evidence is currently insufficient to determine the role of this variant in disease. Therefore, it has been classified as a Variant of Uncertain Significance.